The following is an entry in ClinVar:

NM_015072.5(TTLL5):c.1709-8G>A

Gene: TTLL5 (tubulin tyrosine ligase like 5; plus strand). Cytogenetic location: 14q24.3.
Variant type: single nucleotide variant.
Coding change: c.1709-8G>A on transcript NM_015072.5 (MANE Select); 8 bases into the intron before coding-DNA position 1709, G replaced by A.
Molecular consequence: intron variant.
Genome position (GRCh38, 1-based): chr14:75,766,054, G>A. VCF-style: chr14-75766054-G-A. GRCh37 (hg19) VCF-style: chr14-76232397-G-A.
Other names: c.1709-8G>A (NM_015072.4).
Identifiers: ClinVar variation 4922447 (VCV004922447.2).

ClinVar aggregate classification (germline): Conflicting classifications of pathogenicity. Review status: criteria provided, conflicting classifications (1 of 4 stars). 2 submissions from 2 submitters: Uncertain significance (1); Likely benign (1). Last evaluated 2024-12-13.

Conditions:
TTLL5-related disorder. Also called: TTLL5-related condition.

gnomAD v4.1: 9 of 1,600,516 alleles (0.00056%); highest among the groups gnomAD compares: African/African-American, 0.0054%; no homozygotes.

Submissions (2):

PreventionGenetics, part of Exact Sciences
Classification: Likely benign for TTLL5-related condition. Last evaluated: 2024-12-13. Review status: criteria provided, single submitter. Criteria: ACMG Guidelines, 2015. Collection method: clinical testing. Allele origin: germline.
Comment: This variant is classified as likely benign based on ACMG/AMP sequence variant interpretation guidelines (Richards et al. 2015 PMID: 25741868, with internal and published modifications).

Blueprint Genetics
Classification: Uncertain significance. Last evaluated: 2023-03-01. Review status: criteria provided, single submitter. Criteria: ACMG Guidelines, 2015. Collection method: clinical testing. Allele origin: germline.